The following is an entry in ClinVar:

ClinVar aggregate classification (germline): Uncertain significance (1 of 4 stars; one submission).

Conditions:
RP1L1-related disorder. Also called: RP1L1-related condition.

gnomAD v4.1: 1 of 1,614,250 alleles (0.000062%); highest among the groups gnomAD compares: African/African-American, 0.0013%; no homozygotes.

Submission:

PreventionGenetics, part of Exact Sciences
Classification: Uncertain significance for RP1L1-related condition. Last evaluated: 2026-02-17. Review status: criteria provided, single submitter. Criteria: ACMG Guidelines, 2015. Collection method: clinical testing. Allele origin: germline.
Comment: The RP1L1 c.7151C>G variant is predicted to result in the amino acid substitution p.Thr2384Ser. To our knowledge, this variant has not been reported in the literature or in a large population database (gnomAD), indicating this variant is rare. At this time, the clinical significance of this variant is uncertain due to the absence of conclusive functional and genetic evidence.

NM_178857.6(RP1L1):c.7151C>G (p.Thr2384Ser)

Gene: RP1L1 (RP1 like 1). Cytogenetic location: 8p23.1.
Variant type: single nucleotide variant.
Coding change: c.7151C>G on transcript NM_178857.6 (MANE Select); coding-DNA position 7151, C replaced by G.
Protein change: p.Thr2384Ser; replaces threonine 2384 with serine.
Molecular consequence: missense variant.
Genome position (GRCh38, 1-based): chr8:10,606,947, G>C on the plus strand (C>G on the coding strand, the complement: RP1L1 is on the minus strand). VCF-style: chr8-10606947-G-C. GRCh37 (hg19) VCF-style: chr8-10464457-G-C.
Other names: short protein forms T2384S.
Identifiers: ClinVar variation 4977079 (VCV004977079.1).